The following is an entry in ClinVar:

ClinVar aggregate classification (germline): Pathogenic/Likely pathogenic. Review status: criteria provided, multiple submitters, no conflicts (2 of 4 stars). 5 submissions from 5 submitters: Pathogenic (2); Likely pathogenic (3). Last evaluated 2025-08-24.

Conditions:
Hereditary spastic paraplegia. Also called: Familial spastic paraparesis. Identifiers: Orphanet 685, MedGen C0037773, MONDO:0019064. Disease mechanism: loss of function.
Hereditary spastic paraplegia 11. Also called: Nakamura Osame syndrome; Autosomal recessive hereditary spastic paraplegia, mental impairment, and thin corpus callosum; Spastic paraplegia, mental retardation and thin corpus callosum; SPASTIC PARAPLEGIA, AUTOSOMAL RECESSIVE, COMPLICATED, WITH THIN CORPUS CALLOSUM; SPASTIC PARAPLEGIA, AUTOSOMAL RECESSIVE, WITH MENTAL IMPAIRMENT AND THIN CORPUS CALLOSUM; Spastic Paraplegia 11. Identifiers: Orphanet 2822, MedGen C1858479, MONDO:0011445, OMIM 604360.
Charcot-Marie-Tooth disease axonal type 2X. Also called: CHARCOT-MARIE-TOOTH DISEASE, AXONAL, AUTOSOMAL RECESSIVE, TYPE 2X; CHARCOT-MARIE-TOOTH NEUROPATHY, TYPE 2X. Identifiers: Orphanet 466775, MedGen C5569024, MONDO:0014726, OMIM 616668.
Amyotrophic lateral sclerosis type 5 (ALS5). Also called: AMYOTROPHIC LATERAL SCLEROSIS 5, JUVENILE. Identifiers: Orphanet 300605, MedGen C1865864, MONDO:0011196, OMIM 602099.

Allele frequency attached by ClinVar (database versions not stated): gnomAD 0.00001; gnomAD exomes 0.00001; TOPMed 0.00001; ESP Exome Variant Server 0.00008.
gnomAD v4.1: 8 of 1,613,882 alleles (0.0005%); highest among the groups gnomAD compares: Non-Finnish European, 0.00068%; no homozygotes.

Submissions (5):

Labcorp Genetics (formerly Invitae), Labcorp
Classification: Pathogenic for Hereditary spastic paraplegia 11. Last evaluated: 2025-08-24. Review status: criteria provided, single submitter. Criteria: Invitae Variant Classification Sherloc (09022015). Collection method: clinical testing. Allele origin: germline.
Comment: This sequence change creates a premature translational stop signal (p.Glu953*) in the SPG11 gene. It is expected to result in an absent or disrupted protein product. Loss-of-function variants in SPG11 are known to be pathogenic (PMID: 19105190, 20110243, 22154821, 26556829). This variant is not present in population databases (gnomAD no frequency). This variant has not been reported in the literature in individuals affected with SPG11-related conditions. ClinVar contains an entry for this variant (Variation ID: 534853). For these reasons, this variant has been classified as Pathogenic.

Athena Diagnostics
Classification: Pathogenic. Last evaluated: 2024-09-19. Review status: criteria provided, single submitter. Criteria: Athena Diagnostics Criteria. Collection method: clinical testing. Allele origin: unknown.
Comment: This variant is expected to result in the loss of a functional protein. The frequency of this variant in the general population is consistent with pathogenicity. This variant has been identified in at least one individual tested at Athena Diagnostics with clinical features associated with this gene.

Fulgent Genetics
Classification: Likely pathogenic for Amyotrophic lateral sclerosis type 5; Hereditary spastic paraplegia 11; Charcot-Marie-Tooth disease axonal type 2X. Last evaluated: 2024-04-19. Review status: criteria provided, single submitter. Criteria: ACMG Guidelines, 2015. Collection method: clinical testing. Allele origin: germline.

Women's Health and Genetics/Laboratory Corporation of America, LabCorp
Classification: Likely pathogenic for Hereditary spastic paraplegia. Last evaluated: 2022-08-11. Review status: criteria provided, single submitter. Criteria: LabCorp Variant Classification Summary - May 2015. Collection method: clinical testing. Allele origin: germline.
Comment: Variant summary: SPG11 c.2857G>T (p.Glu953X) results in a premature termination codon, predicted to cause a truncation of the encoded protein or absence of the protein due to nonsense mediated decay, which are commonly known mechanisms for disease. Truncations downstream of this position are associated with Spastic paraplegia in HGMD. The variant was absent in 251164 control chromosomes (gnomAD). To our knowledge, no occurrence of c.2857G>T in individuals affected with Hereditary Spastic Paraplegia, Type 11 and no experimental evidence demonstrating its impact on protein function have been reported. One clinical diagnostic laboratory has submitted clinical-significance assessments for this variant to ClinVar after 2014 and classified the variant as pathogenic. Based on the evidence outlined above, the variant was classified as likely pathogenic.

Genome-Nilou Lab
Classification: Likely pathogenic for Hereditary spastic paraplegia 11. Review status: criteria provided, single submitter. Criteria: ACMG Guidelines, 2015. Collection method: clinical testing. Allele origin: germline.

Literature cited by the submitters: PubMed 19105190 (cited by Labcorp Genetics (formerly Invitae), Labcorp); PubMed 20110243 (cited by Labcorp Genetics (formerly Invitae), Labcorp); PubMed 22154821 (cited by Labcorp Genetics (formerly Invitae), Labcorp); PubMed 26556829 (cited by Labcorp Genetics (formerly Invitae), Labcorp).

NM_025137.4(SPG11):c.2857G>T (p.Glu953Ter)

Gene: SPG11 (SPG11 vesicle trafficking associated, spatacsin; minus strand). Cytogenetic location: 15q21.1.
Variant type: single nucleotide variant.
Coding change: c.2857G>T on transcript NM_025137.4 (MANE Select); coding-DNA position 2857, G replaced by T.
Protein change: p.Glu953Ter; replaces glutamic acid 953 with a stop codon.
Molecular consequence: nonsense.
Genome position (GRCh38, 1-based): chr15:44,615,544, C>A on the plus strand (G>T on the coding strand, the complement: SPG11 is on the minus strand). VCF-style: chr15-44615544-C-A. GRCh37 (hg19) VCF-style: chr15-44907742-C-A.
Other names: c.2857G>T, p.Glu953Ter (NM_001160227.2); short protein forms E953*.
Identifiers: ClinVar variation 534853 (VCV000534853.10), dbSNP rs372906057, ClinGen allele CA7535116.
Genomic context (GRCh38, chr15:44,615,544, plus strand): 5'-CCTGTATTACACCTCCAATACGGCTCAGTCTTAGGAGGAAGCATTCAAAGTCTTCCAGTT[C>A]AGATGCCAAAAAAACCCCATTCCTATGGACAGATTTATAGGATGTCAAGTTAAAAAGTTG-3'